The following is an entry in ClinVar:

NM_002437.5(MPV17):c.160A>G (p.Met54Val)

Gene: MPV17 (mitochondrial inner membrane protein MPV17; minus strand). Cytogenetic location: 2p23.3.
Variant type: single nucleotide variant.
Coding change: c.160A>G on transcript NM_002437.5 (MANE Select); coding-DNA position 160, A replaced by G.
Protein change: p.Met54Val; replaces methionine 54 with valine.
Molecular consequence: missense variant.
Genome position (GRCh38, 1-based): chr2:27,313,020, T>C on the plus strand (A>G on the coding strand, the complement: MPV17 is on the minus strand). VCF-style: chr2-27313020-T-C. GRCh37 (hg19) VCF-style: chr2-27535887-T-C.
Other names: c.160A>G (NM_002437.4); short protein forms M54V.
Identifiers: ClinVar variation 2053978 (VCV002053978.4), dbSNP rs768617578, ClinGen allele CA1575659.
Genomic context (GRCh38, chr2:27,313,020, plus strand): 5'-AGTCCACTGAAGCCCTGTTGAGGGGAGAACTTACCACAAAGCCACAGCCCAGGGACACCA[T>C]GGTCAGAGTCCGGCCTCTCTGGTGTTCCTGCAGACCCCGCCTCTCCACCAGCTGCTGTGA-3'
Protein context (NP_002428.1, residues 44-64): QEHQRGRTLT[Met54Val]VSLGCGFVGP

ClinVar aggregate classification (germline): Uncertain significance. Review status: criteria provided, multiple submitters, no conflicts (2 of 4 stars). 4 submissions from 4 submitters: Uncertain significance (3). 1 of the submissions does not count toward it. Last evaluated 2025-01-07.

Conditions:
MPV17-related disorder. Also called: MPV17-related condition; MPV17-related disorders. Identifiers: MedGen CN239328.
Mitochondrial DNA depletion syndrome 6 (hepatocerebral type). Also called: Mitochondrial DNA depletion syndrome type 6; NAVAJO NEUROPATHY; Navajo neurohepatopathy. Identifiers: Orphanet 255229, MedGen C1850406, MONDO:0009747, OMIM 256810.
Inborn genetic diseases. Identifiers: MedGen C0950123, MeSH D030342.

Allele frequency attached by ClinVar (database versions not stated): ExAC 0.00001; gnomAD exomes 0.00001; TOPMed 0.00006; gnomAD 0.00009.
gnomAD v4.1: 24 of 1,614,070 alleles (0.0015%); highest among the groups gnomAD compares: African/African-American, 0.028%; no homozygotes.

Submissions (4):

Ambry Genetics
Classification: Uncertain significance for Inborn genetic diseases. Last evaluated: 2025-01-07. Review status: criteria provided, single submitter. Criteria: Ambry Variant Classification Scheme 2023. Collection method: clinical testing. Allele origin: germline.

Daryl Scott Lab, Baylor College of Medicine
Classification: Uncertain significance for Mitochondrial DNA depletion syndrome 6 (hepatocerebral type). Last evaluated: 2023-11-10. Review status: criteria provided, single submitter. Criteria: ACMG Guidelines, 2015. Collection method: clinical testing. Allele origin: maternal.

Labcorp Genetics (formerly Invitae), Labcorp
Classification: Uncertain significance. Last evaluated: 2022-04-04. Review status: criteria provided, single submitter. Criteria: Invitae Variant Classification Sherloc (09022015). Collection method: clinical testing. Allele origin: germline.
Comment: This sequence change replaces methionine, which is neutral and non-polar, with valine, which is neutral and non-polar, at codon 54 of the MPV17 protein (p.Met54Val). This variant is present in population databases (rs768617578, gnomAD 0.02%). This variant has not been reported in the literature in individuals affected with MPV17-related conditions. Advanced modeling of protein sequence and biophysical properties (such as structural, functional, and spatial information, amino acid conservation, physicochemical variation, residue mobility, and thermodynamic stability) performed at Invitae indicates that this missense variant is not expected to disrupt MPV17 protein function. In summary, the available evidence is currently insufficient to determine the role of this variant in disease. Therefore, it has been classified as a Variant of Uncertain Significance.

PreventionGenetics, part of Exact Sciences
Classification: Uncertain significance for MPV17-related condition. Last evaluated: 2024-09-04. Review status: no assertion criteria provided. Collection method: clinical testing. Allele origin: germline. Not counted in ClinVar's aggregate classification.
Comment: The MPV17 c.160A>G variant is predicted to result in the amino acid substitution p.Met54Val. To our knowledge, this variant has not been reported in the literature. This variant is reported in 0.024% of alleles in individuals of African descent in gnomAD. At this time, the clinical significance of this variant is uncertain due to the absence of conclusive functional and genetic evidence.